The following is an entry in ClinVar:

NM_001040108.2(MLH3):c.3220A>T (p.Ile1074Phe)

Gene: MLH3 (mutL homolog 3; minus strand). Cytogenetic location: 14q24.3.
Variant type: single nucleotide variant.
Coding change: c.3220A>T on transcript NM_001040108.2 (MANE Select); coding-DNA position 3220, A replaced by T.
Protein change: p.Ile1074Phe; replaces isoleucine 1074 with phenylalanine.
Molecular consequence: missense variant.
Genome position (GRCh38, 1-based): chr14:75,046,436, T>A on the plus strand (A>T on the coding strand, the complement: MLH3 is on the minus strand). VCF-style: chr14-75046436-T-A. GRCh37 (hg19) VCF-style: chr14-75513139-T-A.
Other names: c.3220A>T, p.Ile1074Phe (NM_014381.3); short protein forms I1074F.
Identifiers: ClinVar variation 2730689 (VCV002730689.3), dbSNP rs2503251295, ClinGen allele CA390434709.

ClinVar aggregate classification (germline): Uncertain significance (1 of 4 stars; one submission).

Conditions:
Colorectal cancer, hereditary nonpolyposis, type 7. Identifiers: Orphanet 144, MedGen C1858380, MONDO:0013725, OMIM 614385.

Submission:

Labcorp Genetics (formerly Invitae), Labcorp
Classification: Uncertain significance for Colorectal cancer, hereditary nonpolyposis, type 7. Last evaluated: 2023-06-27. Review status: criteria provided, single submitter. Criteria: Invitae Variant Classification Sherloc (09022015). Collection method: clinical testing. Allele origin: germline.
Comment: In summary, the available evidence is currently insufficient to determine the role of this variant in disease. Therefore, it has been classified as a Variant of Uncertain Significance. An algorithm developed to predict the effect of missense changes on protein structure and function (PolyPhen-2) suggests that this variant is likely to be tolerated. This variant has not been reported in the literature in individuals affected with MLH3-related conditions. This variant is not present in population databases (gnomAD no frequency). This sequence change replaces isoleucine, which is neutral and non-polar, with phenylalanine, which is neutral and non-polar, at codon 1074 of the MLH3 protein (p.Ile1074Phe).